The following is an entry in ClinVar:

NM_177965.4(CFAP418):c.156-3C>A

Gene: CFAP418 (cilia and flagella associated protein 418; minus strand). Cytogenetic location: 8q22.1.
Variant type: single nucleotide variant.
Coding change: c.156-3C>A on transcript NM_177965.4 (MANE Select); 3 bases into the intron before coding-DNA position 156, C replaced by A.
Molecular consequence: intron variant.
Genome position (GRCh38, 1-based): chr8:95,263,777, G>T on the plus strand (C>A on the coding strand, the complement: CFAP418 is on the minus strand). VCF-style: chr8-95263777-G-T. GRCh37 (hg19) VCF-style: chr8-96276005-G-T.
Other names: c.156-3C>A (NM_001363260.1).
Identifiers: ClinVar variation 4072262 (VCV004072262.1).

ClinVar aggregate classification (germline): Uncertain significance (1 of 4 stars; one submission).

Conditions:
Cone-rod dystrophy 16 (CORD16). Identifiers: MedGen C3281045, MONDO:0013786, OMIM 614500.

Submission:

3billion
Classification: Uncertain significance for Cone-rod dystrophy 16. Last evaluated: 2024-07-24. Review status: criteria provided, single submitter. Criteria: ACMG Guidelines, 2015. Collection method: clinical testing. Allele origin: germline. Affected: yes.
Comment: The variant is not observed in the gnomAD v4.0.0 dataset. Predicted Consequence/Location: Intron variant In silico tools predict the variant to alter splicing and produce an abnormal transcript [SpliceAI: 0.51 (>=0.2, moderate evidence for spliceogenicity)]. Therefore, this variant is classified as VUS according to the recommendation of ACMG/AMP guideline.